The following is an entry in ClinVar:

NM_206933.4(USH2A):c.8009C>T (p.Thr2670Ile)

Gene: USH2A (usherin; minus strand). Cytogenetic location: 1q41.
Variant type: single nucleotide variant.
Coding change: c.8009C>T on transcript NM_206933.4 (MANE Select); coding-DNA position 8009, C replaced by T.
Protein change: p.Thr2670Ile; replaces threonine 2670 with isoleucine.
Molecular consequence: missense variant.
Genome position (GRCh38, 1-based): chr1:215,888,640, G>A on the plus strand (C>T on the coding strand, the complement: USH2A is on the minus strand). VCF-style: chr1-215888640-G-A. GRCh37 (hg19) VCF-style: chr1-216061982-G-A.
Other names: short protein forms T2670I.
Identifiers: ClinVar variation 2140794 (VCV002140794.1), dbSNP rs758382005, ClinGen allele CA344839254.

ClinVar aggregate classification (germline): Uncertain significance (1 of 4 stars; one submission).

gnomAD v4.1: 14 of 1,614,184 alleles (0.00087%); highest among the groups gnomAD compares: African/African-American, 0.0013%; no homozygotes.

Submission:

Labcorp Genetics (formerly Invitae), Labcorp
Classification: Uncertain significance. Last evaluated: 2022-03-20. Review status: criteria provided, single submitter. Criteria: Invitae Variant Classification Sherloc (09022015). Collection method: clinical testing. Allele origin: germline.
Comment: This sequence change replaces threonine, which is neutral and polar, with isoleucine, which is neutral and non-polar, at codon 2670 of the USH2A protein (p.Thr2670Ile). This variant is present in population databases (no rsID available, gnomAD 0.0009%). This variant has not been reported in the literature in individuals affected with USH2A-related conditions. Algorithms developed to predict the effect of missense changes on protein structure and function output the following: SIFT: "Tolerated"; PolyPhen-2: "Benign"; Align-GVGD: "Class C0". The isoleucine amino acid residue is found in multiple mammalian species, which suggests that this missense change does not adversely affect protein function. In summary, the available evidence is currently insufficient to determine the role of this variant in disease. Therefore, it has been classified as a Variant of Uncertain Significance.